The following is an entry in ClinVar:

NM_001844.5(COL2A1):c.2980T>C (p.Phe994Leu)

Gene: COL2A1 (collagen type II alpha 1 chain; minus strand). Cytogenetic location: 12q13.11.
Variant type: single nucleotide variant.
Coding change: c.2980T>C on transcript NM_001844.5 (MANE Select); coding-DNA position 2980, T replaced by C.
Protein change: p.Phe994Leu; replaces phenylalanine 994 with leucine.
Molecular consequence: missense variant.
Genome position (GRCh38, 1-based): chr12:47,978,314, A>G on the plus strand (T>C on the coding strand, the complement: COL2A1 is on the minus strand). VCF-style: chr12-47978314-A-G. GRCh37 (hg19) VCF-style: chr12-48372097-A-G.
Other names: c.2773T>C, p.Phe925Leu (NM_033150.3); short protein forms F994L, F925L.
Identifiers: ClinVar variation 1935930 (VCV001935930.5), dbSNP rs1050159062, ClinGen allele CA236521734.

ClinVar aggregate classification (germline): Uncertain significance (1 of 4 stars; one submission).

Allele frequency attached by ClinVar (database versions not stated): TOPMed below 0.00001; gnomAD 0.00001; gnomAD exomes 0.00001.
gnomAD v4.1: 9 of 1,613,864 alleles (0.00056%); highest among the groups gnomAD compares: Non-Finnish European, 0.00076%; no homozygotes.

Submission:

Labcorp Genetics (formerly Invitae), Labcorp
Classification: Uncertain significance. Last evaluated: 2022-08-03. Review status: criteria provided, single submitter. Criteria: Invitae Variant Classification Sherloc (09022015). Collection method: clinical testing. Allele origin: germline.
Comment: In summary, the available evidence is currently insufficient to determine the role of this variant in disease. Therefore, it has been classified as a Variant of Uncertain Significance. Advanced modeling of protein sequence and biophysical properties (such as structural, functional, and spatial information, amino acid conservation, physicochemical variation, residue mobility, and thermodynamic stability) performed at Invitae indicates that this missense variant is not expected to disrupt COL2A1 protein function. This variant has not been reported in the literature in individuals affected with COL2A1-related conditions. This variant is not present in population databases (gnomAD no frequency). This sequence change replaces phenylalanine, which is neutral and non-polar, with leucine, which is neutral and non-polar, at codon 994 of the COL2A1 protein (p.Phe994Leu).